The following is an entry in ClinVar:

ClinVar aggregate classification (germline): Uncertain significance (1 of 4 stars; one submission).

gnomAD v4.1: 4 of 1,613,684 alleles (0.00025%); highest among the groups gnomAD compares: Non-Finnish European, 0.00034%; no homozygotes.

Submission:

Labcorp Genetics (formerly Invitae), Labcorp
Classification: Uncertain significance. Last evaluated: 2020-06-18. Review status: criteria provided, single submitter. Criteria: Invitae Variant Classification Sherloc (09022015). Collection method: clinical testing. Allele origin: germline.
Comment: This sequence change replaces methionine with arginine at codon 409 of the RETREG1 protein (p.Met409Arg). The methionine residue is moderately conserved and there is a moderate physicochemical difference between methionine and arginine. This variant is not present in population databases (ExAC no frequency). This variant has not been reported in the literature in individuals with RETREG1-related conditions. Algorithms developed to predict the effect of missense changes on protein structure and function (SIFT, PolyPhen-2, Align-GVGD) all suggest that this variant is likely to be disruptive, but these predictions have not been confirmed by published functional studies and their clinical significance is uncertain. In summary, the available evidence is currently insufficient to determine the role of this variant in disease. Therefore, it has been classified as a Variant of Uncertain Significance.

NM_001034850.3(RETREG1):c.1226T>G (p.Met409Arg)

Gene: RETREG1 (reticulophagy regulator 1; minus strand). Cytogenetic location: 5p15.1.
Variant type: single nucleotide variant.
Coding change: c.1226T>G on transcript NM_001034850.3 (MANE Select); coding-DNA position 1226, T replaced by G.
Protein change: p.Met409Arg; replaces methionine 409 with arginine.
Molecular consequence: missense variant.
Genome position (GRCh38, 1-based): chr5:16,475,009, A>C on the plus strand (T>G on the coding strand, the complement: RETREG1 is on the minus strand). VCF-style: chr5-16475009-A-C. GRCh37 (hg19) VCF-style: chr5-16475118-A-C.
Other names: c.803T>G, p.Met268Arg (NM_019000.5); short protein forms M409R, M268R.
Identifiers: ClinVar variation 1038634 (VCV001038634.8), dbSNP rs1057518317, ClinGen allele CA359256151.
Genomic context (GRCh38, chr5:16,475,009, plus strand): 5'-AACTGGTCTTTGATAGCTGCAGTCACTGCAGCTGTGATAACATCCCCAGCCAGGTTGCTC[A>C]TCAGGTGAAAGGTTTGGTCACTGTTCAGAGGAAGGGTGAGACCAGCTGCTGATTGCGTCT-3'
Protein context (NP_001030022.1, residues 399-419): PLNSDQTFHL[Met409Arg]SNLAGDVITA